The following is an entry in ClinVar:

NM_001130144.3(LTBP3):c.2992A>G (p.Met998Val)

Genes: LTBP3 (latent transforming growth factor beta binding protein 3; minus strand), LOC121832793 (Sharpr-MPRA regulatory region 4001; plus strand). Cytogenetic location: 11q13.1.
Variant type: single nucleotide variant.
Coding change: c.2992A>G on transcript NM_001130144.3 (MANE Select); coding-DNA position 2992, A replaced by G.
Protein change: p.Met998Val; replaces methionine 998 with valine.
Molecular consequence: missense variant.
Genome position (GRCh38, 1-based): chr11:65,540,600, T>C on the plus strand (A>G on the coding strand, the complement: LTBP3 is on the minus strand). VCF-style: chr11-65540600-T-C. GRCh37 (hg19) VCF-style: chr11-65308071-T-C.
Other names: c.2641A>G, p.Met881Val (NM_001164266.1); c.2992A>G, p.Met998Val (NM_021070.4); short protein forms M881V, M998V.
Identifiers: ClinVar variation 1798537 (VCV001798537.2), dbSNP rs780796970, ClinGen allele CA6100378.

ClinVar aggregate classification (germline): Uncertain significance (1 of 4 stars; one submission).

Conditions:
Inborn genetic diseases. Identifiers: MedGen C0950123, MeSH D030342.

Allele frequency attached by ClinVar (database versions not stated): gnomAD exomes below 0.00001; ExAC 0.00001.
gnomAD v4.1: 5 of 1,611,820 alleles (0.00031%); highest among the groups gnomAD compares: East Asian, 0.009%; no homozygotes.

Submission:

Ambry Genetics
Classification: Uncertain significance for Inborn genetic diseases. Last evaluated: 2022-03-03. Review status: criteria provided, single submitter. Criteria: Ambry Variant Classification Scheme 2023. Collection method: clinical testing. Allele origin: germline.
Comment: The p.M998V variant (also known as c.2992A>G), located in coding exon 22 of the LTBP3 gene, results from an A to G substitution at nucleotide position 2992. The methionine at codon 998 is replaced by valine, an amino acid with highly similar properties. This amino acid position is conserved. In addition, this alteration is predicted to be tolerated by in silico analysis. Since supporting evidence is limited at this time, the clinical significance of this alteration remains unclear.